The following is an entry in ClinVar:

NM_016169.4(SUFU):c.318-3C>T

Gene: SUFU (SUFU negative regulator of hedgehog signaling; plus strand). Cytogenetic location: 10q24.32.
Variant type: single nucleotide variant.
Coding change: c.318-3C>T on transcript NM_016169.4 (MANE Select); 3 bases into the intron before coding-DNA position 318, C replaced by T.
Molecular consequence: intron variant.
Genome position (GRCh38, 1-based): chr10:102,549,967, C>T. VCF-style: chr10-102549967-C-T. GRCh37 (hg19) VCF-style: chr10-104309724-C-T.
Other names: c.318-3C>T (NM_001178133.2).
Identifiers: ClinVar variation 2089714 (VCV002089714.4), dbSNP rs2135742921, ClinGen allele CA2580081175.

ClinVar aggregate classification (germline): Uncertain significance (1 of 4 stars; one submission).

Conditions:
Medulloblastoma (MDB). Also called: Medulloblastoma, somatic; MEDULLOBLASTOMA PREDISPOSITION SYNDROME. Identifiers: Orphanet 616, MedGen C0025149, MeSH D008527, MONDO:0007959, OMIM 155255, HP:0002885.
Gorlin syndrome. Also called: Basal cell nevus syndrome; Nevoid Basal Cell Carcinoma Syndrome. Identifiers: Orphanet 377, MedGen C0004779, MONDO:0007187.

Submission:

Labcorp Genetics (formerly Invitae), Labcorp
Classification: Uncertain significance for Gorlin syndrome; Medulloblastoma. Last evaluated: 2022-04-12. Review status: criteria provided, single submitter. Criteria: Invitae Variant Classification Sherloc (09022015). Collection method: clinical testing. Allele origin: germline.
Comment: In summary, the available evidence is currently insufficient to determine the role of this variant in disease. Therefore, it has been classified as a Variant of Uncertain Significance. Variants that disrupt the consensus splice site are a relatively common cause of aberrant splicing (PMID: 17576681, 9536098). Algorithms developed to predict the effect of sequence changes on RNA splicing suggest that this variant is not likely to affect RNA splicing. This variant has not been reported in the literature in individuals affected with SUFU-related conditions. This variant is not present in population databases (gnomAD no frequency). This sequence change falls in intron 2 of the SUFU gene. It does not directly change the encoded amino acid sequence of the SUFU protein. It affects a nucleotide within the consensus splice site.

Literature cited by the submitters: PubMed 17576681; PubMed 9536098.